The following is an entry in ClinVar:

ClinVar aggregate classification (germline): Uncertain significance (1 of 4 stars; one submission).

Conditions:
Hereditary cancer-predisposing syndrome. Also called: Neoplastic Syndromes, Hereditary; Tumor predisposition; Hereditary Cancer Syndrome; Hereditary neoplastic syndrome. Identifiers: Orphanet 140162, MedGen C0027672, MeSH D009386, MONDO:0015356.

Allele frequency attached by ClinVar (database versions not stated): gnomAD exomes below 0.00001.
gnomAD v4.1: 1 of 1,614,220 alleles (0.000062%); highest among the groups gnomAD compares: Non-Finnish European, 0.000085%; no homozygotes.

Submission:

Ambry Genetics
Classification: Uncertain significance for Hereditary cancer-predisposing syndrome. Last evaluated: 2017-10-30. Review status: criteria provided, single submitter. Criteria: Ambry Variant Classification Scheme 2023. Collection method: clinical testing. Allele origin: germline.
Comment: The p.C1235G variant (also known as c.3703T>G), located in coding exon 20 of the DICER1 gene, results from a T to G substitution at nucleotide position 3703. The cysteine at codon 1235 is replaced by glycine, an amino acid with highly dissimilar properties. This amino acid position is highly conserved in available vertebrate species. In addition, this alteration is predicted to be deleterious by in silico analysis. Since supporting evidence is limited at this time, the clinical significance of this alteration remains unclear.

NM_177438.3(DICER1):c.3703T>G (p.Cys1235Gly)

Gene: DICER1 (dicer 1, ribonuclease III; minus strand). Cytogenetic location: 14q32.13.
Variant type: single nucleotide variant.
Coding change: c.3703T>G on transcript NM_177438.3 (MANE Select); coding-DNA position 3703, T replaced by G.
Protein change: p.Cys1235Gly; replaces cysteine 1235 with glycine.
Molecular consequence: missense variant. On other transcripts: non-coding transcript variant (6).
Genome position (GRCh38, 1-based): chr14:95,103,693, A>C on the plus strand (T>G on the coding strand, the complement: DICER1 is on the minus strand). VCF-style: chr14-95103693-A-C. GRCh37 (hg19) VCF-style: chr14-95570030-A-C.
Other names: c.3703T>G, p.Cys1235Gly (NM_001195573.1, NM_001271282.3, NM_001291628.2 and 13 more transcripts); c.3421T>G, p.Cys1141Gly (NM_001395686.1); c.3298T>G, p.Cys1100Gly (NM_001395687.1, NM_001395688.1, NM_001395689.1 and 2 more transcripts); c.3136T>G, p.Cys1046Gly (NM_001395691.1); c.2020T>G, p.Cys674Gly (NM_001395697.1); short protein forms C1100G, C1235G, C1046G, C674G, C1141G.
Identifiers: ClinVar variation 1734123 (VCV001734123.2), dbSNP rs1595365295, ClinGen allele CA390874286.